The following is an entry in ClinVar:

ClinVar aggregate classification (germline): Uncertain significance (1 of 4 stars; one submission).

Conditions:
Perlman syndrome (PRLMNS). Identifiers: Orphanet 2849, MedGen C0796113, MONDO:0009965, OMIM 267000.

Submission:

Labcorp Genetics (formerly Invitae), Labcorp
Classification: Uncertain significance for Perlman syndrome. Last evaluated: 2021-02-12. Review status: criteria provided, single submitter. Criteria: Invitae Variant Classification Sherloc (09022015). Collection method: clinical testing. Allele origin: germline.
Comment: In summary, the available evidence is currently insufficient to determine the role of this variant in disease. Therefore, it has been classified as a Variant of Uncertain Significance. Algorithms developed to predict the effect of missense changes on protein structure and function are either unavailable or do not agree on the potential impact of this missense change (SIFT: "Tolerated"; PolyPhen-2: "Possibly Damaging"; Align-GVGD: "Class C0"). This variant has not been reported in the literature in individuals with DIS3L2-related conditions. This variant is not present in population databases (ExAC no frequency). This sequence change replaces histidine with glutamine at codon 595 of the DIS3L2 protein (p.His595Gln). The histidine residue is moderately conserved and there is a small physicochemical difference between histidine and glutamine.

NM_152383.5(DIS3L2):c.1785C>G (p.His595Gln)

Gene: DIS3L2 (DIS3 like 3'-5' exoribonuclease 2; plus strand). Cytogenetic location: 2q37.1.
Variant type: single nucleotide variant.
Coding change: c.1785C>G on transcript NM_152383.5 (MANE Select); coding-DNA position 1785, C replaced by G.
Protein change: p.His595Gln; replaces histidine 595 with glutamine.
Molecular consequence: missense variant. On other transcripts: intron variant (1).
Genome position (GRCh38, 1-based): chr2:232,329,858, C>G. VCF-style: chr2-232329858-C-G. GRCh37 (hg19) VCF-style: chr2-233194568-C-G.
Other names: c.1582-13487C>G (NM_001257281.2); short protein forms H595Q.
Identifiers: ClinVar variation 1423936 (VCV001423936.8), dbSNP rs2106347912, ClinGen allele CA350976014.